The following is an entry in ClinVar:

ClinVar aggregate classification (germline): Likely pathogenic. Review status: criteria provided, multiple submitters, no conflicts (2 of 4 stars). 4 submissions from 4 submitters: Likely pathogenic (4). Last evaluated 2024-04-10.

Conditions:
Retinitis pigmentosa 26 (RP26). Identifiers: Orphanet 791, MedGen C1842127, MONDO:0012024, OMIM 608380.
CERKL-related disorders.

Allele frequency attached by ClinVar (database versions not stated): gnomAD exomes below 0.00001.
gnomAD v4.1: 1 of 1,567,748 alleles (0.000064%); highest among the groups gnomAD compares: South Asian, 0.0011%; no homozygotes.

Submissions (4):

Natera, Inc.
Classification: Likely pathogenic for Retinitis Pigmentosa 26. Last evaluated: 2024-04-10. Review status: criteria provided, single submitter. Criteria: Natera Variant Classification Schema (03/2026). Collection method: clinical testing. Allele origin: germline.
Comment: The c.1444-1G>A variant in CERKL is a canonical splice acceptor site variant predicted to affect pre-mRNA splicing, which may result in an abnormal transcript and altered protein product. This variant is expected to result in nonsense mediated decay, truncation, or a dysfunctional protein product. This variant is rare in the general population with a frequency below the threshold expected for the associated phenotype(s). Given the available evidence, this variant is classified as Likely Pathogenic.

Baylor Genetics
Classification: Likely pathogenic for Retinitis pigmentosa 26. Last evaluated: 2023-10-04. Review status: criteria provided, single submitter. Criteria: ACMG Guidelines, 2015. Collection method: clinical testing. Allele origin: unknown.

Labcorp Genetics (formerly Invitae), Labcorp
Classification: Likely pathogenic. Last evaluated: 2023-06-14. Review status: criteria provided, single submitter. Criteria: Invitae Variant Classification Sherloc (09022015). Collection method: clinical testing. Allele origin: germline.
Comment: This sequence change affects an acceptor splice site in intron 12 of the CERKL gene. It is expected to disrupt RNA splicing. Variants that disrupt the donor or acceptor splice site typically lead to a loss of protein function (PMID: 16199547), and loss-of-function variants in CERKL are known to be pathogenic (PMID: 14681825, 23591405, 24043777). This variant is not present in population databases (gnomAD no frequency). This variant has not been reported in the literature in individuals affected with CERKL-related conditions. ClinVar contains an entry for this variant (Variation ID: 648443). Algorithms developed to predict the effect of sequence changes on RNA splicing suggest that this variant may disrupt the consensus splice site. In summary, the currently available evidence indicates that the variant is pathogenic, but additional data are needed to prove that conclusively. Therefore, this variant has been classified as Likely Pathogenic.

Blueprint Genetics
Classification: Likely pathogenic for CERKL-related disorders. Last evaluated: 2019-09-05. Review status: criteria provided, single submitter. Criteria: ACMG Guidelines, 2015. Collection method: clinical testing. Allele origin: germline. Affected: yes. Observed: 1 variant allele.

Literature cited by the submitters: PubMed 16199547 (cited by Labcorp Genetics (formerly Invitae), Labcorp); PubMed 14681825 (cited by Labcorp Genetics (formerly Invitae), Labcorp); PubMed 23591405 (cited by Labcorp Genetics (formerly Invitae), Labcorp); PubMed 24043777 (cited by Labcorp Genetics (formerly Invitae), Labcorp).

NM_201548.5(CERKL):c.1366-1G>A

Gene: CERKL (CERK like autophagy regulator; minus strand). Cytogenetic location: 2q31.3.
Variant type: single nucleotide variant.
Coding change: c.1366-1G>A on transcript NM_201548.5 (MANE Select); the canonical splice acceptor site of the intron before coding-DNA position 1366, G replaced by A.
Molecular consequence: splice acceptor variant.
Genome position (GRCh38, 1-based): chr2:181,539,265, C>T on the plus strand (G>A on the coding strand, the complement: CERKL is on the minus strand). VCF-style: chr2-181539265-C-T. GRCh37 (hg19) VCF-style: chr2-182403992-C-T.
Other names: c.1027-1G>A (NM_001030312.3); c.1312-1G>A (NM_001160277.2); c.1159-1G>A (NM_001030313.3); c.1444-1G>A (NM_001030311.3).
Identifiers: ClinVar variation 648443 (VCV000648443.11), dbSNP rs1574426870, ClinGen allele CA349733512.
Genomic context (GRCh38, chr2:181,539,265, plus strand): 5'-ATTCCTTGGATGAACTTTTACTTCCTCAACAGTGTAAGTCTCAACAAATGGAAAATTGAA[C>T]TAAAAATAAATACAAATAATCATTATACTTGGTTTATCTCTAGCTACTAACGCGAATCAA-3'